The following is an entry in ClinVar:

ClinVar aggregate classification (germline): Uncertain significance. Review status: criteria provided, multiple submitters, no conflicts (2 of 4 stars). 3 submissions from 3 submitters: Uncertain significance (3). Last evaluated 2025-09-04.

Conditions:
Hypertrophic cardiomyopathy. Also called: HYPERTROPHIC MYOCARDIOPATHY. Identifiers: Orphanet 217569, MedGen C0007194, MeSH D002312, MONDO:0005045, HP:0001639.
Cardiovascular phenotype. Identifiers: MedGen CN230736.
Cardiomyopathy (CMYO). Also called: Cardiomyopathies. Identifiers: Orphanet 167848, MedGen C0878544, MONDO:0004994, HP:0001638. Inheritance: Various modes of inheritance.

Allele frequency attached by ClinVar (database versions not stated): gnomAD exomes below 0.00001; gnomAD 0.00001.
gnomAD v4.1: 4 of 1,589,346 alleles (0.00025%); highest among the groups gnomAD compares: African/African-American, 0.0041%; no homozygotes.

Submissions (3):

Color Diagnostics, LLC DBA Color Health
Classification: Uncertain significance for Cardiomyopathy. Last evaluated: 2025-09-04. Review status: criteria provided, single submitter. Criteria: ACMG Guidelines, 2015. Collection method: clinical testing. Allele origin: germline.
Comment: This variant causes a G to A nucleotide substitution at the +5 position of intron 11 of the MYBPC3 gene. To our knowledge, functional studies have not been reported for this variant. This variant has not been reported in individuals affected with MYBPC3-related disorders in the literature. This variant has been identified in 2/259582 chromosomes in the general population by the Genome Aggregation Database (gnomAD). The available evidence is insufficient to determine the role of this variant in disease conclusively. Therefore, this variant is classified as a Variant of Uncertain Significance.

Labcorp Genetics (formerly Invitae), Labcorp
Classification: Uncertain significance for Hypertrophic cardiomyopathy. Last evaluated: 2022-10-16. Review status: criteria provided, single submitter. Criteria: Invitae Variant Classification Sherloc (09022015). Collection method: clinical testing. Allele origin: germline.
Comment: In summary, the available evidence is currently insufficient to determine the role of this variant in disease. Therefore, it has been classified as a Variant of Uncertain Significance. Variants that disrupt the consensus splice site are a relatively common cause of aberrant splicing (PMID: 17576681, 9536098). Algorithms developed to predict the effect of sequence changes on RNA splicing suggest that this variant may disrupt the consensus splice site. This variant has not been reported in the literature in individuals affected with MYBPC3-related conditions. This variant is present in population databases (no rsID available, gnomAD 0.008%). This sequence change falls in intron 11 of the MYBPC3 gene. It does not directly change the encoded amino acid sequence of the MYBPC3 protein. It affects a nucleotide within the consensus splice site.

Ambry Genetics
Classification: Uncertain significance for Cardiovascular phenotype. Last evaluated: 2022-05-27. Review status: criteria provided, single submitter. Criteria: Ambry Variant Classification Scheme 2023. Collection method: clinical testing. Allele origin: germline.
Comment: The c.926+5G>A intronic variant results from a G to A substitution 5 nucleotides after coding exon 11 in the MYBPC3 gene. This nucleotide position is highly conserved in available vertebrate species. In silico splice site analysis predicts that this alteration may weaken the native splice donor site. Since supporting evidence is limited at this time, the clinical significance of this alteration remains unclear.

Literature cited by the submitters: PubMed 17576681 (cited by Labcorp Genetics (formerly Invitae), Labcorp); PubMed 9536098 (cited by Labcorp Genetics (formerly Invitae), Labcorp).

NM_000256.3(MYBPC3):c.926+5G>A

Gene: MYBPC3 (myosin binding protein C3; minus strand). Cytogenetic location: 11p11.2.
Variant type: single nucleotide variant.
Coding change: c.926+5G>A on transcript NM_000256.3 (MANE Select); 5 bases into the intron after coding-DNA position 926, G replaced by A.
Molecular consequence: intron variant.
Genome position (GRCh38, 1-based): chr11:47,346,622, C>T on the plus strand (G>A on the coding strand, the complement: MYBPC3 is on the minus strand). VCF-style: chr11-47346622-C-T. GRCh37 (hg19) VCF-style: chr11-47368173-C-T.
Identifiers: ClinVar variation 1766377 (VCV001766377.7), dbSNP rs1465412065, ClinGen allele CA599059492.